The following is an entry in ClinVar:

ClinVar aggregate classification (germline): Uncertain significance (1 of 4 stars; one submission).

Conditions:
Neuromuscular disease caused by qualitative or quantitative defects of dysferlin. Also called: Qualitative or quantitative defects of dysferlin; Dysferlinopathy. Identifiers: Orphanet 207073, MedGen C2931687, MONDO:0016145.

Allele frequency attached by ClinVar (database versions not stated): gnomAD exomes below 0.00001.
gnomAD v4.1: 2 of 1,614,070 alleles (0.00012%); highest among the groups gnomAD compares: Admixed American, 0.0033%; no homozygotes.

Submission:

Labcorp Genetics (formerly Invitae), Labcorp
Classification: Uncertain significance for Neuromuscular disease caused by qualitative or quantitative defects of dysferlin. Last evaluated: 2025-10-22. Review status: criteria provided, single submitter. Criteria: Invitae Variant Classification Sherloc (09022015). Collection method: clinical testing. Allele origin: germline.
Comment: This sequence change replaces leucine, which is neutral and non-polar, with phenylalanine, which is neutral and non-polar, at codon 415 of the DYSF protein (p.Leu415Phe). This variant is not present in population databases (gnomAD no frequency). This variant has not been reported in the literature in individuals affected with DYSF-related conditions. ClinVar contains an entry for this variant (Variation ID: 471279). Invitae Evidence Modeling of protein sequence and biophysical properties (such as structural, functional, and spatial information, amino acid conservation, physicochemical variation, residue mobility, and thermodynamic stability) indicates that this missense variant is not expected to disrupt DYSF protein function with a negative predictive value of 95%. In summary, the available evidence is currently insufficient to determine the role of this variant in disease. Therefore, it has been classified as a Variant of Uncertain Significance.

NM_001130987.2(DYSF):c.1341G>T (p.Leu447Phe)

Gene: DYSF (dysferlin; plus strand). Cytogenetic location: 2p13.2.
Variant type: single nucleotide variant.
Coding change: c.1341G>T on transcript NM_001130987.2 (MANE Select); coding-DNA position 1341, G replaced by T.
Protein change: p.Leu447Phe; replaces leucine 447 with phenylalanine.
Molecular consequence: missense variant.
Genome position (GRCh38, 1-based): chr2:71,528,362, G>T. VCF-style: chr2-71528362-G-T. GRCh37 (hg19) VCF-style: chr2-71755492-G-T.
Other names: c.1248G>T, p.Leu416Phe (NM_001130455.2, NM_001130983.2, NM_001130984.2 and 1 more transcripts); c.1245G>T, p.Leu415Phe (NM_001130976.2, NM_001130977.2, NM_001130978.2 and 1 more transcripts); c.1338G>T, p.Leu446Phe (NM_001130979.2, NM_001130980.2, NM_001130981.2); c.1341G>T, p.Leu447Phe (NM_001130982.2, NM_001130985.2); short protein forms L415F, L447F, L446F, L416F.
Identifiers: ClinVar variation 471279 (VCV000471279.10), dbSNP rs1553531841, ClinGen allele CA347214851.